The following is an entry in ClinVar:

ClinVar aggregate classification (germline): Uncertain significance (1 of 4 stars; one submission).

Submission:

Labcorp Genetics (formerly Invitae), Labcorp
Classification: Uncertain significance. Last evaluated: 2022-07-05. Review status: criteria provided, single submitter. Criteria: Invitae Variant Classification Sherloc (09022015). Collection method: clinical testing. Allele origin: germline.
Comment: This variant is not present in population databases (gnomAD no frequency). This sequence change replaces valine, which is neutral and non-polar, with alanine, which is neutral and non-polar, at codon 212 of the BACH2 protein (p.Val212Ala). This variant has not been reported in the literature in individuals affected with BACH2-related conditions. In summary, the available evidence is currently insufficient to determine the role of this variant in disease. Therefore, it has been classified as a Variant of Uncertain Significance. Algorithms developed to predict the effect of missense changes on protein structure and function (SIFT, PolyPhen-2, Align-GVGD) all suggest that this variant is likely to be tolerated.

NM_021813.4(BACH2):c.635T>C (p.Val212Ala)

Gene: BACH2 (BACH transcriptional regulator 2; minus strand). Cytogenetic location: 6q15.
Variant type: single nucleotide variant.
Coding change: c.635T>C on transcript NM_021813.4 (MANE Select); coding-DNA position 635, T replaced by C.
Protein change: p.Val212Ala; replaces valine 212 with alanine.
Molecular consequence: missense variant.
Genome position (GRCh38, 1-based): chr6:89,951,471, A>G on the plus strand (T>C on the coding strand, the complement: BACH2 is on the minus strand). VCF-style: chr6-89951471-A-G. GRCh37 (hg19) VCF-style: chr6-90661190-A-G.
Other names: c.635T>C, p.Val212Ala (NM_001170794.2); short protein forms V212A.
Identifiers: ClinVar variation 2040220 (VCV002040220.4), dbSNP rs2533567493, ClinGen allele CA365072575.